The following is an entry in ClinVar:

ClinVar aggregate classification (germline): Uncertain significance (1 of 4 stars; one submission).

Submission:

Labcorp Genetics (formerly Invitae), Labcorp
Classification: Uncertain significance. Last evaluated: 2022-01-23. Review status: criteria provided, single submitter. Criteria: Invitae Variant Classification Sherloc (09022015). Collection method: clinical testing. Allele origin: germline.
Comment: This sequence change falls in intron 6 of the ELP1 gene. It does not directly change the encoded amino acid sequence of the ELP1 protein. In summary, the available evidence is currently insufficient to determine the role of this variant in disease. Therefore, it has been classified as a Variant of Uncertain Significance. Algorithms developed to predict the effect of sequence changes on RNA splicing suggest that this variant may disrupt the consensus splice site. This variant has not been reported in the literature in individuals affected with ELP1-related conditions. This variant is not present in population databases (gnomAD no frequency).

NM_003640.5(ELP1):c.553-14_553-5del

Gene: ELP1 (elongator acetyltransferase complex subunit 1; minus strand). Cytogenetic location: 9q31.3.
Variant type: Deletion.
Coding change: c.553-14_553-5del on transcript NM_003640.5 (MANE Select); 14 bases into the intron before coding-DNA position 553 through 5 bases into the intron before coding-DNA position 553, 10 bases deleted (GTTCCCCTTT; older notation c.553-14_553-5delGTTCCCCTTT).
Molecular consequence: intron variant.
Genome position (GRCh38, 1-based): chr9:108,919,354-108,919,363, AAAGGGGAAC deleted on the plus strand (GTTCCCCTTT on the coding strand, the reverse complement: ELP1 is on the minus strand); deleting any 10 consecutive bases within chr9:108,919,354-108,919,366 gives the same sequence; the c. name uses the placement nearest the transcript's 3' end. VCF-style (leftmost placement, unchanged base first): chr9-108919353-AAAAGGGGAAC-A. GRCh37 (hg19) VCF-style: chr9-111681633-AAAAGGGGAAC-A.
Other names: c.211-14_211-5del (NM_001318360.2); c.-307-1693_-307-1684del (NM_001330749.2).
Identifiers: ClinVar variation 2089262 (VCV002089262.4), dbSNP rs2537943750, ClinGen allele CA2580079520.